The following is an entry in ClinVar:

ClinVar aggregate classification (germline): Uncertain significance (1 of 4 stars; one submission).

Conditions:
Regional enteritis. Also called: Enteritis, Granulomatous. Identifiers: MedGen C0678202, MeSH D003424.
Blau syndrome (BLAUS). Also called: ARTHROCUTANEOUVEAL GRANULOMATOSIS; GRANULOMATOSIS, FAMILIAL JUVENILE SYSTEMIC; GRANULOMATOSIS, FAMILIAL, BLAU TYPE; GRANULOMATOUS INFLAMMATORY ARTHRITIS, DERMATITIS, AND UVEITIS, FAMILIAL; JABS SYNDROME. Identifiers: Orphanet 90340, MedGen C5201146, MONDO:0008523, OMIM 186580.

gnomAD v4.1: 9 of 1,613,994 alleles (0.00056%); highest among the groups gnomAD compares: African/African-American, 0.011%; no homozygotes.

Submission:

Labcorp Genetics (formerly Invitae), Labcorp
Classification: Uncertain significance for Regional enteritis; Blau syndrome. Last evaluated: 2025-04-03. Review status: criteria provided, single submitter. Criteria: Invitae Variant Classification Sherloc (09022015). Collection method: clinical testing. Allele origin: germline.
Comment: This sequence change replaces isoleucine, which is neutral and non-polar, with leucine, which is neutral and non-polar, at codon 883 of the NOD2 protein (p.Ile883Leu). This variant is present in population databases (rs146276010, gnomAD 0.03%). This variant has not been reported in the literature in individuals affected with NOD2-related conditions. Invitae Evidence Modeling of protein sequence and biophysical properties (such as structural, functional, and spatial information, amino acid conservation, physicochemical variation, residue mobility, and thermodynamic stability) indicates that this missense variant is not expected to disrupt NOD2 protein function with a negative predictive value of 95%. In summary, the available evidence is currently insufficient to determine the role of this variant in disease. Therefore, it has been classified as a Variant of Uncertain Significance.

NM_001370466.1(NOD2):c.2566A>C (p.Ile856Leu)

Gene: NOD2 (nucleotide binding oligomerization domain containing 2; plus strand). Cytogenetic location: 16q12.1.
Variant type: single nucleotide variant.
Coding change: c.2566A>C on transcript NM_001370466.1 (MANE Select); coding-DNA position 2566, A replaced by C.
Protein change: p.Ile856Leu; replaces isoleucine 856 with leucine.
Molecular consequence: missense variant. On other transcripts: non-coding transcript variant (1).
Genome position (GRCh38, 1-based): chr16:50,719,941, A>C. VCF-style: chr16-50719941-A-C. GRCh37 (hg19) VCF-style: chr16-50753852-A-C.
Other names: c.2566A>C, p.Ile856Leu (NM_001293557.2); c.2647A>C, p.Ile883Leu (NM_022162.3); short protein forms I883L, I856L.
Identifiers: ClinVar variation 4788275 (VCV004788275.1).
Genomic context (GRCh38, chr16:50,719,941, plus strand): 5'-GCCTGCCGCTGTGTTCTCTCAGCCTCCTCTGTCTTCCCTTCCAGGCTGGGGAATAACTAC[A>C]TCACTGCCGCGGGAGCCCAAGTGCTGGCCGAGGGGCTCCGAGGCAACACCTCCTTGCAGT-3'
Protein context (NP_001357395.1, residues 846-866): FLALRLGNNY[Ile856Leu]TAAGAQVLAE